The following is an entry in ClinVar:

NC_000005.10:g.(?_112754891)_(112767400_?)del

Gene: APC (APC regulator of Wnt signaling pathway; plus strand). Cytogenetic location: 5q22.2.
Variant type: Deletion.
Identifiers: ClinVar variation 832632 (VCV000832632.7).

ClinVar aggregate classification (germline): Pathogenic. Review status: criteria provided, single submitter (1 of 4 stars). 2 submissions from 1 submitter: Pathogenic (1). 1 of the submissions does not count toward it. Last evaluated 2019-11-14.

Conditions:
Familial adenomatous polyposis 1 (FAP1). Also called: POLYPOSIS, ADENOMATOUS INTESTINAL; FAMILIAL ADENOMATOUS POLYPOSIS 1, ATTENUATED. Identifiers: MedGen C2713442, MONDO:0021056, OMIM 175100. Disease mechanism: loss of function.

Submissions (2):

Labcorp Genetics (formerly Invitae), Labcorp
Classification: Pathogenic for Familial adenomatous polyposis 1. Last evaluated: 2019-11-14. Review status: criteria provided, single submitter. Criteria: Invitae Variant Classification Sherloc (09022015). Collection method: clinical testing. Allele origin: germline.
Comment: For these reasons, this variant has been classified as Pathogenic. Loss-of-function variants in APC are known to be pathogenic (PMID: 17963004, 20685668). This variant has been observed in individuals affected with polyposis (PMID: 25590978). This variant is also known in the literature as deletion of exons 1-3. This variant is a gross deletion of the genomic region encompassing exons 2-4 of the APC gene, which includes the initiator codon. The 5' end of this event is likely confined to intron 1 of the APC gene. The 3' boundary is likely confined to intron 4. This is expected to result in an absent or disrupted protein product.

Labcorp Genetics (formerly Invitae), Labcorp
Classification: Pathogenic for Familial adenomatous polyposis 1. Last evaluated: 2019-11-15. Review status: flagged submission. Criteria: Invitae Variant Classification Sherloc (09022015). Collection method: clinical testing. Allele origin: germline. Not counted in ClinVar's aggregate classification.
Comment: This variant is a gross deletion of the genomic region encompassing exons 2-4 of the APC gene, which includes the initiator codon. The 5' end of this event is likely confined to intron 1 of the APC gene. The 3' boundary is likely confined to intron 4. This is expected to result in an absent or disrupted protein product. This variant has been observed in individuals affected with polyposis (PMID: 25590978). This variant is also known in the literature as deletion of exons 1-3. Loss-of-function variants in APC are known to be pathogenic (PMID: 17963004, 20685668). For these reasons, this variant has been classified as Pathogenic.
ClinVar note: Reason: This record appears to be redundant with a more recent record from the same submitter.
ClinVar note: Notes: SCV001196413 appears to be redundant with SCV002231858.

Literature cited by the submitters: PubMed 17963004; PubMed 20685668; PubMed 25590978.